The following is an entry in ClinVar:

ClinVar aggregate classification (germline): Conflicting classifications of pathogenicity. Review status: criteria provided, conflicting classifications (1 of 4 stars). 15 submissions from 15 submitters: Uncertain significance (2); Likely benign (11). 2 of the submissions do not count toward it. Last evaluated 2026-03-01.

Conditions:
Inborn genetic diseases. Identifiers: MedGen C0950123, MeSH D030342.
Wilson disease (WND). Also called: Wilson's disease. Identifiers: Orphanet 905, MedGen C0019202, MONDO:0010200, OMIM 277900. Disease mechanism: loss of function.

Allele frequency attached by ClinVar (database versions not stated): gnomAD 0.00003 and 0.00011; TOPMed 0.00006; gnomAD exomes 0.00019 and 0.00040; ExAC 0.00037; 1000 Genomes Project 0.00140; 1000 Genomes Project 30x 0.00156.
gnomAD v4.1: 301 of 1,614,046 alleles (0.019%); highest among the groups gnomAD compares: South Asian, 0.24%; 2 homozygotes.

Submissions (15):

CeGaT Center for Human Genetics Tuebingen
Classification: Likely benign. Last evaluated: 2026-03-01. Review status: criteria provided, single submitter. Criteria: CeGaT Center For Human Genetics Tuebingen Variant Classification Criteria Version 2. Collection method: clinical testing. Allele origin: germline. Affected: yes. Observed: 1 variant allele.
Comment: ATP7B: BP4, BP7

Labcorp Genetics (formerly Invitae), Labcorp
Classification: Likely benign for Wilson disease. Last evaluated: 2026-01-29. Review status: criteria provided, single submitter. Criteria: Invitae Variant Classification Sherloc (09022015). Collection method: clinical testing. Allele origin: germline.

Ambry Genetics
Classification: Likely benign for Inborn genetic diseases. Last evaluated: 2025-10-23. Review status: criteria provided, single submitter. Criteria: Ambry Variant Classification Scheme 2023. Collection method: clinical testing. Allele origin: germline.

Blueprint Genetics
Classification: Likely benign. Last evaluated: 2024-09-23. Review status: criteria provided, single submitter. Criteria: ACMG Guidelines, 2015. Collection method: clinical testing. Allele origin: germline.

ARUP Laboratories, Molecular Genetics and Genomics, ARUP Laboratories
Classification: Likely benign for Wilson disease. Last evaluated: 2024-07-01. Review status: criteria provided, single submitter. Criteria: ARUP Molecular Germline Variant Investigation Process 2024. Collection method: clinical testing. Allele origin: germline.

All of Us Research Program, National Institutes of Health
Classification: Likely benign for Wilson disease. Last evaluated: 2024-01-11. Review status: criteria provided, single submitter. Criteria: ACMG Guidelines, 2015. Collection method: clinical testing. Allele origin: germline. Inheritance: Autosomal recessive inheritance. Observed: 23 variant alleles, 23 heterozygotes.
Comment: This study involves interpretation of variants in research participants for the purpose of population health screening. Participant phenotype was not available at the time of variant classification. Additional details can be found in publication PMID: 35346344, PMCID: PMC8962531

Color Diagnostics, LLC DBA Color Health
Classification: Likely benign for Wilson disease. Last evaluated: 2022-04-22. Review status: criteria provided, single submitter. Criteria: ACMG Guidelines, 2015. Collection method: clinical testing. Allele origin: germline.

Women's Health and Genetics/Laboratory Corporation of America, LabCorp
Classification: Likely benign. Last evaluated: 2021-04-21. Review status: criteria provided, single submitter. Criteria: LabCorp Variant Classification Summary - May 2015. Collection method: clinical testing. Allele origin: germline.

Revvity Omics, Revvity
Classification: Uncertain significance for Wilson disease. Last evaluated: 2020-02-26. Review status: criteria provided, single submitter. Criteria: ACMG Guidelines, 2015. Collection method: clinical testing. Allele origin: germline.

Illumina Laboratory Services, Illumina
Classification: Uncertain significance for Wilson disease. Last evaluated: 2019-02-01. Review status: criteria provided, single submitter. Criteria: ICSL Variant Classification Criteria 13 December 2019. Collection method: clinical testing. Allele origin: germline.
Comment: This variant was observed as part of a predisposition screen in an ostensibly healthy population. A literature search was performed for the gene, cDNA change, and amino acid change (where applicable). Publications were found based on this search. However, the evidence from the literature, in combination with allele frequency data from public databases where available, was not sufficient to rule this variant in or out of causing disease. Therefore, this variant is classified as a variant of unknown significance.

GeneDx
Classification: Likely benign. Last evaluated: 2018-12-27. Review status: criteria provided, single submitter. Criteria: GeneDx Variant Classification Process June 2021. Collection method: clinical testing. Allele origin: germline. Affected: yes.
Comment: This variant is associated with the following publications: (PMID: 16133174, 21034864, 10502777, 11690702, 30120852)

Eurofins Ntd Llc (ga)
Classification: Likely benign. Last evaluated: 2016-10-26. Review status: criteria provided, single submitter. Criteria: EGL Classification Definitions 2015. Collection method: clinical testing. Allele origin: germline. Observed: 1 variant allele, 1 heterozygote.

PreventionGenetics, part of Exact Sciences
Classification: Likely benign. Review status: criteria provided, single submitter. Criteria: ACMG Guidelines, 2015. Collection method: clinical testing. Allele origin: germline.

Clinical Genetics, Academic Medical Center
Classification: Benign. Review status: no assertion criteria provided. Collection method: clinical testing. Allele origin: germline. Affected: yes. Study: VKGL Data-share Consensus. Not counted in ClinVar's aggregate classification.

Genome Diagnostics Laboratory, University Medical Center Utrecht
Classification: Likely benign. Review status: no assertion criteria provided. Collection method: clinical testing. Allele origin: germline. Affected: yes. Study: VKGL Data-share Consensus. Not counted in ClinVar's aggregate classification.

Literature cited by the submitters: PubMed 23551039 (cited by Illumina Laboratory Services, Illumina); PubMed 21034864 (cited by Illumina Laboratory Services, Illumina); PubMed 16133174 (cited by Illumina Laboratory Services, Illumina); PubMed 11690702 (cited by Illumina Laboratory Services, Illumina); PubMed 10502777 (cited by Illumina Laboratory Services, Illumina).

NM_000053.4(ATP7B):c.2484C>T (p.Gly828=)

Gene: ATP7B (ATPase copper transporting beta; minus strand). Cytogenetic location: 13q14.3.
Variant type: single nucleotide variant.
Coding change: c.2484C>T on transcript NM_000053.4 (MANE Select); coding-DNA position 2484, C replaced by T.
Protein change: p.Gly828=; no amino-acid change (glycine 828 retained).
Molecular consequence: synonymous variant.
Genome position (GRCh38, 1-based): chr13:51,950,363, G>A on the plus strand (C>T on the coding strand, the complement: ATP7B is on the minus strand). VCF-style: chr13-51950363-G-A. GRCh37 (hg19) VCF-style: chr13-52524499-G-A.
Other names: c.1998C>T, p.Gly666= (NM_001005918.3); c.2151C>T, p.Gly717= (NM_001243182.2); c.2250C>T, p.Gly750= (NM_001330578.2); c.2232C>T, p.Gly744= (NM_001330579.2).
Identifiers: ClinVar variation 254765 (VCV000254765.37), dbSNP rs570594838, ClinGen allele CA6988992.
Genomic context (GRCh38, chr13:51,950,363, plus strand): 5'-GCCTTCCAGGACTTTCCCATCCACTGGAAACTTTCCCCCAGGGACCACCTTGACGATATC[G>A]CCCCGCTGCACCAGCTCCATGGGGACTTGCTCCTCCCTGCAACAAACGCCACTTATCACT-3'
Protein context (NP_000044.2, residues 818-838): EQVPMELVQR[Gly828=]DIVKVVPGGK